The following is an entry in ClinVar:

ClinVar aggregate classification (germline): Uncertain significance (1 of 4 stars; one submission).

Allele frequency attached by ClinVar (database versions not stated): gnomAD 0.00001; TOPMed 0.00001.
gnomAD v4.1: 2 of 1,613,842 alleles (0.00012%); highest among the groups gnomAD compares: Non-Finnish European, 0.00017%; no homozygotes.

Submission:

Labcorp Genetics (formerly Invitae), Labcorp
Classification: Uncertain significance. Last evaluated: 2024-01-25. Review status: criteria provided, single submitter. Criteria: Invitae Variant Classification Sherloc (09022015). Collection method: clinical testing. Allele origin: germline.
Comment: This sequence change replaces glutamic acid, which is acidic and polar, with aspartic acid, which is acidic and polar, at codon 471 of the SEPT9 protein (p.Glu471Asp). This variant is not present in population databases (gnomAD no frequency). This variant has not been reported in the literature in individuals affected with SEPT9-related conditions. Advanced modeling of protein sequence and biophysical properties (such as structural, functional, and spatial information, amino acid conservation, physicochemical variation, residue mobility, and thermodynamic stability) performed at Invitae indicates that this missense variant is not expected to disrupt SEPT9 protein function with a negative predictive value of 80%. In summary, the available evidence is currently insufficient to determine the role of this variant in disease. Therefore, it has been classified as a Variant of Uncertain Significance.

NM_001113491.2(SEPTIN9):c.1467G>C (p.Glu489Asp)

Gene: SEPTIN9 (septin 9; plus strand). Cytogenetic location: 17q25.3.
Variant type: single nucleotide variant.
Coding change: c.1467G>C on transcript NM_001113491.2 (MANE Select); coding-DNA position 1467, G replaced by C.
Protein change: p.Glu489Asp; replaces glutamic acid 489 with aspartic acid.
Molecular consequence: missense variant.
Genome position (GRCh38, 1-based): chr17:77,492,707, G>C. VCF-style: chr17-77492707-G-C. GRCh37 (hg19) VCF-style: chr17-75488789-G-C.
Other names: c.975G>C, p.Glu325Asp (NM_001113492.2, NM_001113494.1); c.1446G>C, p.Glu482Asp (NM_001113493.2); c.714G>C, p.Glu238Asp (NM_001113495.2, NM_001113496.2, NM_001293697.2 and 1 more transcripts); c.1410G>C, p.Glu470Asp (NM_001293695.2); c.795G>C, p.Glu265Asp (NM_001293696.2); c.1413G>C, p.Glu471Asp (NM_006640.5); short protein forms E471D, E238D, E265D, E325D, E482D, E470D, E489D.
Identifiers: ClinVar variation 2793575 (VCV002793575.3), dbSNP rs1389721469, ClinGen allele CA401209851.
Genomic context (GRCh38, chr17:77,492,707, plus strand): 5'-CATCGACGTGTACCCCCAGAAGGAATTTGATGAGGACTCGGAGGACCGGCTGGTGAACGA[G>C]AAGTTCCGGGTGAGTGGATCCACTAGGATGTTGTTCCCAGGGGACCCCCAGTTCCTGCTG-3'
Protein context (NP_001106963.1, residues 479-499): DEDSEDRLVN[Glu489Asp]KFREMIPFAV